The following is an entry in ClinVar:

ClinVar aggregate classification (germline): Uncertain significance. Review status: criteria provided, multiple submitters, no conflicts (2 of 4 stars). 2 submissions from 2 submitters: Uncertain significance (2). Last evaluated 2023-12-12.

Conditions:
Hypertrophic cardiomyopathy 10. Also called: CARDIOMYOPATHY, HYPERTROPHIC, MID-LEFT VENTRICULAR CHAMBER TYPE, 2; MYL2-Related Familial Hypertrophic Cardiomyopathy. Identifiers: MedGen C1834460, MONDO:0012112, OMIM 608758.

Submissions (2):

Labcorp Genetics (formerly Invitae), Labcorp
Classification: Uncertain significance for Hypertrophic cardiomyopathy 10. Last evaluated: 2023-12-12. Review status: criteria provided, single submitter. Criteria: Invitae Variant Classification Sherloc (09022015). Collection method: clinical testing. Allele origin: germline.
Comment: This sequence change replaces aspartic acid, which is acidic and polar, with tyrosine, which is neutral and polar, at codon 48 of the MYL2 protein (p.Asp48Tyr). This variant is not present in population databases (gnomAD no frequency). This missense change has been observed in individual(s) with hypertrophic cardiomyopathy (PMID: 27532257). ClinVar contains an entry for this variant (Variation ID: 177926). An algorithm developed to predict the effect of missense changes on protein structure and function (PolyPhen-2) suggests that this variant is likely to be disruptive. In summary, the available evidence is currently insufficient to determine the role of this variant in disease. Therefore, it has been classified as a Variant of Uncertain Significance.

Laboratory for Molecular Medicine, Mass General Brigham Personalized Medicine
Classification: Uncertain significance. Last evaluated: 2013-02-08. Review status: criteria provided, single submitter. Criteria: LMM Criteria. Collection method: clinical testing. Allele origin: germline. Observed: 1 variant allele.
Comment: proposed classification - variant undergoing re-assessment, contact laboratory

Literature cited by the submitters: PubMed 27532257 (cited by Labcorp Genetics (formerly Invitae), Labcorp).

NM_000432.4(MYL2):c.142G>T (p.Asp48Tyr)

Gene: MYL2 (myosin light chain 2; minus strand). Cytogenetic location: 12q24.11.
Variant type: single nucleotide variant.
Coding change: c.142G>T on transcript NM_000432.4 (MANE Select); coding-DNA position 142, G replaced by T.
Protein change: p.Asp48Tyr; replaces aspartic acid 48 with tyrosine.
Molecular consequence: missense variant.
Genome position (GRCh38, 1-based): chr12:110,915,742, C>A on the plus strand (G>T on the coding strand, the complement: MYL2 is on the minus strand). VCF-style: chr12-110915742-C-A. GRCh37 (hg19) VCF-style: chr12-111353546-C-A.
Other names: short protein forms D48Y.
Identifiers: ClinVar variation 177926 (VCV000177926.13), dbSNP rs727504405, ClinGen allele CA009885.